The following is an entry in ClinVar:

NM_016938.5(EFEMP2):c.1111G>A (p.Gly371Ser)

Gene: EFEMP2 (EGF-like fibulin extracellular matrix protein 2; minus strand). Cytogenetic location: 11q13.1.
Variant type: single nucleotide variant.
Coding change: c.1111G>A on transcript NM_016938.5 (MANE Select); coding-DNA position 1111, G replaced by A.
Protein change: p.Gly371Ser; replaces glycine 371 with serine.
Molecular consequence: missense variant. On other transcripts: non-coding transcript variant (1).
Genome position (GRCh38, 1-based): chr11:65,867,920, C>T on the plus strand (G>A on the coding strand, the complement: EFEMP2 is on the minus strand). VCF-style: chr11-65867920-C-T. GRCh37 (hg19) VCF-style: chr11-65635391-C-T.
Other names: short protein forms G371S.
Identifiers: ClinVar variation 472810 (VCV000472810.6), dbSNP rs1294797610, ClinGen allele CA381351316.

ClinVar aggregate classification (germline): Uncertain significance (1 of 4 stars; one submission).

Conditions:
Cutis laxa, autosomal recessive, type 1B (ARCL1B). Also called: CUTIS LAXA, AUTOSOMAL RECESSIVE, TYPE IB; EFEMP2-Related Cutis Laxa. Identifiers: Orphanet 90349, MedGen C3280798, MONDO:0013754, OMIM 614437. Disease mechanism: loss of function.

Allele frequency attached by ClinVar (database versions not stated): gnomAD 0.00001; TOPMed 0.00001.
gnomAD v4.1: 2 of 1,614,016 alleles (0.00012%); highest among the groups gnomAD compares: Non-Finnish European, 0.00017%; no homozygotes.

Submission:

Labcorp Genetics (formerly Invitae), Labcorp
Classification: Uncertain significance for Cutis laxa, autosomal recessive, type 1B. Last evaluated: 2022-07-19. Review status: criteria provided, single submitter. Criteria: Invitae Variant Classification Sherloc (09022015). Collection method: clinical testing. Allele origin: germline.
Comment: This sequence change replaces glycine, which is neutral and non-polar, with serine, which is neutral and polar, at codon 371 of the EFEMP2 protein (p.Gly371Ser). This variant is not present in population databases (gnomAD no frequency). This variant has not been reported in the literature in individuals affected with EFEMP2-related conditions. ClinVar contains an entry for this variant (Variation ID: 472810). Algorithms developed to predict the effect of missense changes on protein structure and function are either unavailable or do not agree on the potential impact of this missense change (SIFT: "Deleterious"; PolyPhen-2: "Benign"; Align-GVGD: "Class C55"). Algorithms developed to predict the effect of sequence changes on RNA splicing suggest that this variant may create or strengthen a splice site. In summary, the available evidence is currently insufficient to determine the role of this variant in disease. Therefore, it has been classified as a Variant of Uncertain Significance.